The following is an entry in ClinVar:

ClinVar aggregate classification (germline): Uncertain significance. Review status: criteria provided, multiple submitters, no conflicts (2 of 4 stars). 3 submissions from 3 submitters: Uncertain significance (3). Last evaluated 2025-12-02.

Conditions:
Inborn genetic diseases. Identifiers: MedGen C0950123, MeSH D030342.

Allele frequency attached by ClinVar (database versions not stated): gnomAD exomes below 0.00001 and 0.00001; TOPMed below 0.00001.
gnomAD v4.1: 6 of 1,614,174 alleles (0.00037%); highest among the groups gnomAD compares: Non-Finnish European, 0.00051%; no homozygotes.

Submissions (3):

Ambry Genetics
Classification: Uncertain significance for Inborn genetic diseases. Last evaluated: 2025-12-02. Review status: criteria provided, single submitter. Criteria: Ambry Variant Classification Scheme 2023. Collection method: clinical testing. Allele origin: germline.

Blueprint Genetics
Classification: Uncertain significance. Last evaluated: 2024-06-18. Review status: criteria provided, single submitter. Criteria: ACMG Guidelines, 2015. Collection method: clinical testing. Allele origin: germline.

GeneDx
Classification: Uncertain significance. Last evaluated: 2019-11-08. Review status: criteria provided, single submitter. Criteria: GeneDx Variant Classification Process June 2021. Collection method: clinical testing. Allele origin: germline. Affected: yes.
Comment: In silico analysis, which includes protein predictors and evolutionary conservation, supports that this variant does not alter protein structure/function; Has not been previously published as pathogenic or benign to our knowledge

NM_001127453.2(GSDME):c.391G>A (p.Asp131Asn)

Gene: GSDME (gasdermin E; minus strand). Cytogenetic location: 7p15.3.
Variant type: single nucleotide variant.
Coding change: c.391G>A on transcript NM_001127453.2 (MANE Select); coding-DNA position 391, G replaced by A.
Protein change: p.Asp131Asn; replaces aspartic acid 131 with asparagine.
Molecular consequence: missense variant. On other transcripts: 5 prime UTR variant (1).
Genome position (GRCh38, 1-based): chr7:24,744,575, C>T on the plus strand (G>A on the coding strand, the complement: GSDME is on the minus strand). VCF-style: chr7-24744575-C-T. GRCh37 (hg19) VCF-style: chr7-24784194-C-T.
Other names: c.-102G>A (NM_001127454.2); c.391G>A, p.Asp131Asn (NM_004403.3); short protein forms D131N.
Identifiers: ClinVar variation 1310101 (VCV001310101.4), dbSNP rs1422308585, ClinGen allele CA367048542.